The following is an entry in ClinVar:

ClinVar aggregate classification (germline): Uncertain significance (1 of 4 stars; one submission).

Conditions:
Alacrima, achalasia, and impaired intellectual development syndrome. Also called: Alacrima, achalasia, and mental retardation syndrome; Alacrima, achalasia, and intellectual disability syndrome. Identifiers: Orphanet 869, MedGen C4706563, MONDO:0014219, OMIM 615510.

Allele frequency attached by ClinVar (database versions not stated): gnomAD 0.00001 and 0.00002; gnomAD exomes below 0.00001; TOPMed 0.00001.

Submission:

Labcorp Genetics (formerly Invitae), Labcorp
Classification: Uncertain significance for Alacrima, achalasia, and impaired intellectual development syndrome. Last evaluated: 2022-10-03. Review status: criteria provided, single submitter. Criteria: Invitae Variant Classification Sherloc (09022015). Collection method: clinical testing. Allele origin: germline.
Comment: In summary, the available evidence is currently insufficient to determine the role of this variant in disease. Therefore, it has been classified as a Variant of Uncertain Significance. Advanced modeling of protein sequence and biophysical properties (such as structural, functional, and spatial information, amino acid conservation, physicochemical variation, residue mobility, and thermodynamic stability) performed at Invitae indicates that this missense variant is expected to disrupt GMPPA protein function. ClinVar contains an entry for this variant (Variation ID: 1442753). This variant has not been reported in the literature in individuals affected with GMPPA-related conditions. The frequency data for this variant in the population databases is considered unreliable, as metrics indicate poor data quality at this position in the gnomAD database. This sequence change replaces isoleucine, which is neutral and non-polar, with phenylalanine, which is neutral and non-polar, at codon 179 of the GMPPA protein (p.Ile179Phe).

NM_013335.4(GMPPA):c.535A>T (p.Ile179Phe)

Genes: ASIC4-AS1 (ASIC4 antisense RNA 1; minus strand), GMPPA (GDP-mannose pyrophosphorylase A; plus strand). Cytogenetic location: 2q35.
Variant type: single nucleotide variant.
Coding change: c.535A>T on transcript NM_013335.4 (MANE Select); coding-DNA position 535, A replaced by T.
Protein change: p.Ile179Phe; replaces isoleucine 179 with phenylalanine.
Molecular consequence: missense variant.
Genome position (GRCh38, 1-based): chr2:219,504,128, A>T. VCF-style: chr2-219504128-A-T. GRCh37 (hg19) VCF-style: chr2-220368850-A-T.
Other names: c.535A>T, p.Ile179Phe (NM_001374294.1, NM_001374295.1, NM_205847.3); short protein forms I179F.
Identifiers: ClinVar variation 1442753 (VCV001442753.8), dbSNP rs1251641134, ClinGen allele CA350733557.